The following is an entry in ClinVar:

ClinVar aggregate classification (germline): Uncertain significance (1 of 4 stars; one submission).

Allele frequency attached by ClinVar (database versions not stated): gnomAD exomes 0.00003; ESP Exome Variant Server 0.00008.
gnomAD v4.1: 47 of 1,613,910 alleles (0.0029%); highest among the groups gnomAD compares: Non-Finnish European, 0.0039%; no homozygotes.

Submission:

Labcorp Genetics (formerly Invitae), Labcorp
Classification: Uncertain significance. Last evaluated: 2023-05-05. Review status: criteria provided, single submitter. Criteria: Invitae Variant Classification Sherloc (09022015). Collection method: clinical testing. Allele origin: germline.
Comment: This sequence change replaces proline, which is neutral and non-polar, with alanine, which is neutral and non-polar, at codon 811 of the TAOK2 protein (p.Pro811Ala). This variant is not present in population databases (gnomAD no frequency). This variant has not been reported in the literature in individuals affected with TAOK2-related conditions. An algorithm developed to predict the effect of missense changes on protein structure and function (PolyPhen-2) suggests that this variant is likely to be tolerated. In summary, the available evidence is currently insufficient to determine the role of this variant in disease. Therefore, it has been classified as a Variant of Uncertain Significance.

NM_016151.4(TAOK2):c.2431C>G (p.Pro811Ala)

Gene: TAOK2 (TAO kinase 2; plus strand). Cytogenetic location: 16p11.2.
Variant type: single nucleotide variant.
Coding change: c.2431C>G on transcript NM_016151.4 (MANE Select); coding-DNA position 2431, C replaced by G.
Protein change: p.Pro811Ala; replaces proline 811 with alanine.
Molecular consequence: missense variant. On other transcripts: intron variant (2).
Genome position (GRCh38, 1-based): chr16:29,986,703, C>G. VCF-style: chr16-29986703-C-G. GRCh37 (hg19) VCF-style: chr16-29998024-C-G.
Other names: c.2232+199C>G (NM_004783.4); c.2233-141C>G (NM_001252043.2); short protein forms P811A.
Identifiers: ClinVar variation 2971003 (VCV002971003.3), dbSNP rs142024220, ClinGen allele CA280398813.